The following is an entry in ClinVar:

NM_152381.6(XIRP2):c.4128AGA[1] (p.Glu1377del)

Gene: XIRP2 (xin actin binding repeat containing 2; plus strand). Cytogenetic location: 2q24.3.
Variant type: Microsatellite.
Coding change: c.4128AGA[1] on transcript NM_152381.6 (MANE Select); one copy of the 3-base unit AGA starting at c.4128; the reference has two copies in a row; one copy, 3 bases deleted.
Protein change: p.Glu1377del; deletes glutamic acid 1377.
Molecular consequence: inframe deletion. On other transcripts: intron variant (3).
Genome position (GRCh38, 1-based): chr2:167,245,523-167,245,525, AGA deleted; deleting any 3 consecutive bases within chr2:167,245,519-167,245,525 gives the same sequence; the position shown is the placement nearest the transcript's 3' end. VCF-style (leftmost placement, unchanged base first): chr2-167245518-CAAG-C. GRCh37 (hg19) VCF-style: chr2-168102028-CAAG-C.
Other names: c.1176+3613_1176+3615del (NM_001079810.4); c.510+3613_510+3615del (NM_001199145.2); c.3462AGA[1], p.Glu1155del (NM_001199144.2); c.1275+3613_1275+3615del (NM_001199143.2); c.4131_4133delAGA (NM_152381.5); short protein forms E1155del, E1377del.
Identifiers: ClinVar variation 2651513 (VCV002651513.25), dbSNP rs540406060, ClinGen allele CA1946989.

ClinVar aggregate classification (germline): Likely benign. Review status: criteria provided, single submitter (1 of 4 stars). 2 submissions from 2 submitters: Likely benign (1). 1 of the submissions does not count toward it. Last evaluated 2022-08-01.

Conditions:
XIRP2-related disorder. Also called: XIRP2-related condition.

Submissions (2):

CeGaT Center for Human Genetics Tuebingen
Classification: Likely benign. Last evaluated: 2022-08-01. Review status: criteria provided, single submitter. Criteria: CeGaT Center For Human Genetics Tuebingen Variant Classification Criteria Version 2. Collection method: clinical testing. Allele origin: germline. Affected: yes. Observed: 1 variant allele.
Comment: XIRP2: BS2

PreventionGenetics, part of Exact Sciences
Classification: Likely benign for XIRP2-related condition. Last evaluated: 2022-02-25. Review status: no assertion criteria provided. Collection method: clinical testing. Allele origin: germline. Not counted in ClinVar's aggregate classification.
Comment: This variant is classified as likely benign based on ACMG/AMP sequence variant interpretation guidelines (Richards et al. 2015 PMID: 25741868, with internal and published modifications).